The following is an entry in ClinVar:

NM_000271.5(NPC1):c.958G>A (p.Glu320Lys)

Gene: NPC1 (NPC intracellular cholesterol transporter 1; minus strand). Cytogenetic location: 18q11.2.
Variant type: single nucleotide variant.
Coding change: c.958G>A on transcript NM_000271.5 (MANE Select); coding-DNA position 958, G replaced by A.
Protein change: p.Glu320Lys; replaces glutamic acid 320 with lysine.
Molecular consequence: missense variant.
Genome position (GRCh38, 1-based): chr18:23,556,611, C>T on the plus strand (G>A on the coding strand, the complement: NPC1 is on the minus strand). VCF-style: chr18-23556611-C-T. GRCh37 (hg19) VCF-style: chr18-21136575-C-T.
Other names: short protein forms E320K.
Identifiers: ClinVar variation 2055234 (VCV002055234.4), dbSNP rs2511285157, ClinGen allele CA401779204.
Genomic context (GRCh38, chr18:23,556,611, plus strand): 5'-TGAACAGCCGCCTCAAGCAGCCCTCAAATGCTGCGCTGACAGGGTCACAGCAGGACGCCT[C>T]TCCTGGAAGAACGGGAGAGGAAGGGAAGGTGGAGGTTAAGAGCCAAGCCGTTCCTGAAAG-3'
Protein context (NP_000262.2, residues 310-330): AFSVNASDKG[Glu320Lys]ASCCDPVSAA

ClinVar aggregate classification (germline): Uncertain significance (1 of 4 stars; one submission).

Conditions:
Niemann-Pick disease, type C1. Also called: NIEMANN-PICK DISEASE, VARIANT TYPE C1; NEUROVISCERAL STORAGE DISEASE WITH VERTICAL SUPRANUCLEAR OPHTHALMOPLEGIA; NIEMANN-PICK DISEASE WITH CHOLESTEROL ESTERIFICATION BLOCK; NIEMANN-PICK DISEASE WITHOUT SPHINGOMYELINASE DEFICIENCY; NIEMANN-PICK DISEASE, CHRONIC NEURONOPATHIC FORM. Identifiers: Orphanet 646, MedGen C3179455, MONDO:0009757, OMIM 257220.

Allele frequency attached by ClinVar (database versions not stated): gnomAD exomes below 0.00001.
gnomAD v4.1: 2 of 1,614,010 alleles (0.00012%); highest among the groups gnomAD compares: Non-Finnish European, 0.00017%; no homozygotes.

Submission:

Labcorp Genetics (formerly Invitae), Labcorp
Classification: Uncertain significance for Niemann-Pick disease, type C1. Last evaluated: 2024-04-17. Review status: criteria provided, single submitter. Criteria: Invitae Variant Classification Sherloc (09022015). Collection method: clinical testing. Allele origin: germline.
Comment: This sequence change replaces glutamic acid, which is acidic and polar, with lysine, which is basic and polar, at codon 320 of the NPC1 protein (p.Glu320Lys). This variant is not present in population databases (gnomAD no frequency). This variant has not been reported in the literature in individuals affected with NPC1-related conditions. ClinVar contains an entry for this variant (Variation ID: 2055234). An algorithm developed to predict the effect of missense changes on protein structure and function (PolyPhen-2) suggests that this variant is likely to be tolerated. In summary, the available evidence is currently insufficient to determine the role of this variant in disease. Therefore, it has been classified as a Variant of Uncertain Significance.